The following is an entry in ClinVar:

ClinVar aggregate classification (germline): Uncertain significance (1 of 4 stars; one submission).

Submission:

Labcorp Genetics (formerly Invitae), Labcorp
Classification: Uncertain significance. Last evaluated: 2025-03-12. Review status: criteria provided, single submitter. Criteria: Invitae Variant Classification Sherloc (09022015). Collection method: clinical testing. Allele origin: germline.
Comment: This sequence change replaces asparagine, which is neutral and polar, with isoleucine, which is neutral and non-polar, at codon 500 of the WFS1 protein (p.Asn500Ile). The frequency data for this variant in the population databases is considered unreliable, as metrics indicate poor data quality at this position in the gnomAD database. This variant has not been reported in the literature in individuals affected with WFS1-related conditions. An algorithm developed to predict the effect of missense changes on protein structure and function (PolyPhen-2) suggests that this variant is likely to be disruptive. In summary, the available evidence is currently insufficient to determine the role of this variant in disease. Therefore, it has been classified as a Variant of Uncertain Significance.

NM_006005.3(WFS1):c.1499_1500delinsTT (p.Asn500Ile)

Gene: WFS1 (wolframin ER transmembrane glycoprotein; plus strand). Cytogenetic location: 4p16.1.
Variant type: Indel.
Coding change: c.1499_1500delinsTT on transcript NM_006005.3 (MANE Select); coding-DNA positions 1499 to 1500, AC replaced by TT.
Protein change: p.Asn500Ile; replaces asparagine 500 with isoleucine.
Molecular consequence: missense variant.
Genome position (GRCh38, 1-based): chr4:6,301,294-6,301,295, AC replaced by TT. VCF-style: chr4-6301294-AC-TT. GRCh37 (hg19) VCF-style: chr4-6303021-AC-TT.
Other names: c.1499_1500delinsTT, p.Asn500Ile (NM_001145853.1); short protein forms N500I.
Identifiers: ClinVar variation 4690898 (VCV004690898.1).